The following is an entry in ClinVar:

NM_000213.5(ITGB4):c.1216-10G>A

Gene: ITGB4 (integrin subunit beta 4; plus strand). Cytogenetic location: 17q25.1.
Variant type: single nucleotide variant.
Coding change: c.1216-10G>A on transcript NM_000213.5 (MANE Select); 10 bases into the intron before coding-DNA position 1216, G replaced by A.
Molecular consequence: intron variant.
Genome position (GRCh38, 1-based): chr17:75,731,802, G>A. VCF-style: chr17-75731802-G-A. GRCh37 (hg19) VCF-style: chr17-73727883-G-A.
Other names: c.1216-10G>A (NM_001005619.2, NM_001005731.3, NM_001438834.1 and 2 more transcripts).
Identifiers: ClinVar variation 2912109 (VCV002912109.4), dbSNP rs751813576, ClinGen allele CA8768936.
Genomic context (GRCh38, chr17:75,731,802, plus strand): 5'-CCTTCAGGCATCGATGGCCCCCTGGTCCTTGGGGCTGGGCCTGCCTTGGCTGACCACGGG[G>A]CCCCTGCAGGGTATATACCAGGTGCAGCTGCGGGCCCTTGAGCACGTGGATGGGACGCAC-3'

ClinVar aggregate classification (germline): Likely benign. Review status: criteria provided, multiple submitters, no conflicts (2 of 4 stars). 2 submissions from 2 submitters: Likely benign (2). Last evaluated 2026-01-26.

Conditions:
ITGB4-related disorder. Also called: ITGB4-related condition.

Allele frequency attached by ClinVar (database versions not stated): gnomAD 0.00001; gnomAD exomes 0.00002; ExAC 0.00004; TOPMed 0.00007.
gnomAD v4.1: 25 of 1,573,126 alleles (0.0016%); highest among the groups gnomAD compares: East Asian, 0.031%; no homozygotes.

Submissions (2):

PreventionGenetics, part of Exact Sciences
Classification: Likely benign for ITGB4-related condition. Last evaluated: 2026-01-26. Review status: criteria provided, single submitter. Criteria: ACMG Guidelines, 2015. Collection method: clinical testing. Allele origin: germline.
Comment: This variant is classified as likely benign based on ACMG/AMP sequence variant interpretation guidelines (Richards et al. 2015 PMID: 25741868, with internal and published modifications).

Labcorp Genetics (formerly Invitae), Labcorp
Classification: Likely benign. Last evaluated: 2024-01-31. Review status: criteria provided, single submitter. Criteria: Invitae Variant Classification Sherloc (09022015). Collection method: clinical testing. Allele origin: germline.